The following is an entry in ClinVar:

NM_015102.5(NPHP4):c.2290G>A (p.Ala764Thr)

Gene: NPHP4 (nephrocystin 4; minus strand). Cytogenetic location: 1p36.31.
Variant type: single nucleotide variant.
Coding change: c.2290G>A on transcript NM_015102.5 (MANE Select); coding-DNA position 2290, G replaced by A.
Protein change: p.Ala764Thr; replaces alanine 764 with threonine.
Molecular consequence: missense variant. On other transcripts: non-coding transcript variant (1).
Genome position (GRCh38, 1-based): chr1:5,890,882, C>T on the plus strand (G>A on the coding strand, the complement: NPHP4 is on the minus strand). VCF-style: chr1-5890882-C-T. GRCh37 (hg19) VCF-style: chr1-5950942-C-T.
Other names: c.751G>A, p.Ala251Thr (NM_001291593.2); c.754G>A, p.Ala252Thr (NM_001291594.2); short protein forms A251T, A252T, A764T.
Identifiers: ClinVar variation 2500150 (VCV002500150.2), dbSNP rs2523684256, ClinGen allele CA338059254.

ClinVar aggregate classification (germline): Uncertain significance (1 of 4 stars; one submission).

Conditions:
Bardet-Biedl syndrome (BBS). Identifiers: Orphanet 110, MedGen C0752166, MONDO:0015229.

Submission:

SN ONGC Dept of Genetics and Molecular biology Vision Research Foundation
Classification: Uncertain significance for Bardet-Biedl syndrome. Last evaluated: 2023-06-02. Review status: criteria provided, single submitter. Criteria: ACMG Guidelines, 2015. Collection method: research. Allele origin: unknown. Affected: yes. Observed: 1 heterozygote.
Comment: This variant was observed in digenic inheritance with the variant NC_000014.8:g.89323570del.